The following is an entry in ClinVar:

ClinVar aggregate classification (germline): Conflicting classifications of pathogenicity. Review status: criteria provided, conflicting classifications (1 of 4 stars). 2 submissions from 2 submitters: Uncertain significance (1); Likely benign (1). Last evaluated 2021-09-01.

Conditions:
Cortical dysplasia-focal epilepsy syndrome (PTHSL1). Also called: Pitt-Hopkins-like syndrome 1. Identifiers: Orphanet 163681, Orphanet 221150, MedGen C2750246, MONDO:0012400, OMIM 610042.

Allele frequency attached by ClinVar (database versions not stated): TOPMed 0.00001; 1000 Genomes Project 30x 0.00078; 1000 Genomes Project 0.00080.
gnomAD v4.1: 139 of 1,613,672 alleles (0.0086%); highest among the groups gnomAD compares: South Asian, 0.15%; 3 homozygotes.

Submissions (2):

Labcorp Genetics (formerly Invitae), Labcorp
Classification: Uncertain significance for Cortical dysplasia-focal epilepsy syndrome. Last evaluated: 2021-09-01. Review status: criteria provided, single submitter. Criteria: Invitae Variant Classification Sherloc (09022015). Collection method: clinical testing. Allele origin: germline.
Comment: This sequence change replaces valine with methionine at codon 369 of the CNTNAP2 protein (p.Val369Met). The valine residue is weakly conserved and there is a small physicochemical difference between valine and methionine. This variant is present in population databases (rs368057493, ExAC 0.2%), including at least one homozygous and/or hemizygous individual. This variant has not been reported in the literature in individuals affected with CNTNAP2-related conditions. ClinVar contains an entry for this variant (Variation ID: 515321). Algorithms developed to predict the effect of missense changes on protein structure and function are either unavailable or do not agree on the potential impact of this missense change (SIFT: "Deleterious"; PolyPhen-2: "Benign"; Align-GVGD: "Class C0"). In summary, the available evidence is currently insufficient to determine the role of this variant in disease. Therefore, it has been classified as a Variant of Uncertain Significance.

GeneDx
Classification: Likely benign. Last evaluated: 2019-05-01. Review status: criteria provided, single submitter. Criteria: GeneDx Variant Classification Process June 2021. Collection method: clinical testing. Allele origin: germline. Affected: yes.

NM_014141.6(CNTNAP2):c.1105G>A (p.Val369Met)

Gene: CNTNAP2 (contactin associated protein 2; plus strand). Cytogenetic location: 7q35.
Variant type: single nucleotide variant.
Coding change: c.1105G>A on transcript NM_014141.6 (MANE Select); coding-DNA position 1105, G replaced by A.
Protein change: p.Val369Met; replaces valine 369 with methionine.
Molecular consequence: missense variant.
Genome position (GRCh38, 1-based): chr7:147,132,266, G>A. VCF-style: chr7-147132266-G-A. GRCh37 (hg19) VCF-style: chr7-146829358-G-A.
Other names: short protein forms V369M.
Identifiers: ClinVar variation 515321 (VCV000515321.6), dbSNP rs368057493, ClinGen allele CA4545983.